The following is an entry in ClinVar:

NM_000501.4(ELN):c.805G>A (p.Gly269Arg)

Gene: ELN (elastin; plus strand). Cytogenetic location: 7q11.23.
Variant type: single nucleotide variant.
Coding change: c.805G>A on transcript NM_000501.4 (MANE Select); coding-DNA position 805, G replaced by A.
Protein change: p.Gly269Arg; replaces glycine 269 with arginine.
Molecular consequence: missense variant.
Genome position (GRCh38, 1-based): chr7:74,051,755, G>A. VCF-style: chr7-74051755-G-A. GRCh37 (hg19) VCF-style: chr7-73466085-G-A.
Other names: c.775G>A, p.Gly259Arg (NM_001081752.3, NM_001278917.2); c.820G>A, p.Gly274Arg (NM_001081753.3, NM_001081754.3); c.805G>A, p.Gly269Arg (NM_001081755.3, NM_001278912.2, NM_001278915.2 and 1 more transcripts); c.697G>A, p.Gly233Arg (NM_001278913.2); c.790G>A, p.Gly264Arg (NM_001278914.2); c.763G>A, p.Gly255Arg (NM_001278916.2); c.673G>A, p.Gly225Arg (NM_001278918.2); short protein forms G225R, G233R, G255R, G259R, G264R, G269R, G274R.
Identifiers: ClinVar variation 2507329 (VCV002507329.4), dbSNP rs146258103, ClinGen allele CA4292713.

ClinVar aggregate classification (germline): Uncertain significance. Review status: criteria provided, multiple submitters, no conflicts (2 of 4 stars). 2 submissions from 2 submitters: Uncertain significance (2). Last evaluated 2024-09-19.

Conditions:
Supravalvar aortic stenosis (SVAS). Also called: Supravalvar aortic stenosis, Eisenberg type. Identifiers: Orphanet 3193, MedGen C0003499, MONDO:0008504, OMIM 185500, HP:0004381.

Allele frequency attached by ClinVar (database versions not stated): TOPMed below 0.00001; gnomAD 0.00001; ExAC 0.00002; gnomAD exomes 0.00002; 1000 Genomes Project 30x 0.00016; 1000 Genomes Project 0.00020.
gnomAD v4.1: 11 of 1,614,224 alleles (0.00068%); highest among the groups gnomAD compares: East Asian, 0.025%; no homozygotes.

Submissions (2):

GeneDx
Classification: Uncertain significance. Last evaluated: 2024-09-19. Review status: criteria provided, single submitter. Criteria: GeneDx Variant Classification Process June 2021. Collection method: clinical testing. Allele origin: germline. Affected: yes.
Comment: Has not been previously published as pathogenic or benign to our knowledge; Not observed at significant frequency in large population cohorts (gnomAD); In silico analysis supports that this missense variant has a deleterious effect on protein structure/function

Labcorp Genetics (formerly Invitae), Labcorp
Classification: Uncertain significance for Supravalvar aortic stenosis. Last evaluated: 2024-07-25. Review status: criteria provided, single submitter. Criteria: Invitae Variant Classification Sherloc (09022015). Collection method: clinical testing. Allele origin: germline.
Comment: This sequence change replaces glycine, which is neutral and non-polar, with arginine, which is basic and polar, at codon 269 of the ELN protein (p.Gly269Arg). This variant is present in population databases (rs146258103, gnomAD 0.01%). This variant has not been reported in the literature in individuals affected with ELN-related conditions. ClinVar contains an entry for this variant (Variation ID: 2507329). Advanced modeling of protein sequence and biophysical properties (such as structural, functional, and spatial information, amino acid conservation, physicochemical variation, residue mobility, and thermodynamic stability) performed at Invitae indicates that this missense variant is not expected to disrupt ELN protein function with a negative predictive value of 80%. In summary, the available evidence is currently insufficient to determine the role of this variant in disease. Therefore, it has been classified as a Variant of Uncertain Significance.